The following is an entry in ClinVar:

NM_001372.4(DNAH9):c.8_35del (p.Leu3fs)

Gene: DNAH9 (dynein axonemal heavy chain 9; plus strand). Cytogenetic location: 17p12.
Variant type: Deletion.
Coding change: c.8_35del on transcript NM_001372.4 (MANE Select); coding-DNA positions 8 to 35, 28 bases deleted (TCGCGGAGGAGCGGGCCGCGCTCGCGGC).
Protein change: p.Leu3fs; shifts the reading frame from leucine 3.
Molecular consequence: frameshift variant, initiator codon variant.
Genome position (GRCh38, 1-based): chr17:11,598,506-11,598,533, TCGCGGAGGAGCGGGCCGCGCTCGCGGC deleted; deleting any 28 consecutive bases within chr17:11,598,501-11,598,533 gives the same sequence; the c. name uses the placement nearest the transcript's 3' end. VCF-style (leftmost placement, unchanged base first): chr17-11598500-TGCGGCTCGCGGAGGAGCGGGCCGCGCTC-T. GRCh37 (hg19) VCF-style: chr17-11501817-TGCGGCTCGCGGAGGAGCGGGCCGCGCTC-T.
Other names: short protein forms L3fs.
Identifiers: ClinVar variation 2957745 (VCV002957745.3), dbSNP rs2544174378, ClinGen allele CA2740095275.

ClinVar aggregate classification (germline): Pathogenic (1 of 4 stars; one submission).

Submission:

Labcorp Genetics (formerly Invitae), Labcorp
Classification: Pathogenic. Last evaluated: 2023-06-17. Review status: criteria provided, single submitter. Criteria: Invitae Variant Classification Sherloc (09022015). Collection method: clinical testing. Allele origin: germline.
Comment: For these reasons, this variant has been classified as Pathogenic. This variant has not been reported in the literature in individuals affected with DNAH9-related conditions. This variant is not present in population databases (gnomAD no frequency). This sequence change creates a premature translational stop signal (p.Leu3Argfs*23) in the DNAH9 gene. It is expected to result in an absent or disrupted protein product. Loss-of-function variants in DNAH9 are known to be pathogenic (PMID: 30471718).

Literature cited by the submitters: PubMed 30471718.